The following is an entry in ClinVar:

NM_000038.6(APC):c.3627A>T (p.Glu1209Asp)

Gene: APC (APC regulator of Wnt signaling pathway; plus strand). Cytogenetic location: 5q22.2.
Variant type: single nucleotide variant.
Coding change: c.3627A>T on transcript NM_000038.6 (MANE Select); coding-DNA position 3627, A replaced by T.
Protein change: p.Glu1209Asp; replaces glutamic acid 1209 with aspartic acid.
Molecular consequence: missense variant. On other transcripts: non-coding transcript variant (2).
Genome position (GRCh38, 1-based): chr5:112,839,221, A>T. VCF-style: chr5-112839221-A-T. GRCh37 (hg19) VCF-style: chr5-112174918-A-T.
Other names: c.3627A>T, p.Glu1209Asp (NM_001127510.3, NM_001354895.2, NM_001407450.1); c.3573A>T, p.Glu1191Asp (NM_001127511.3); c.3681A>T, p.Glu1227Asp (NM_001354896.2, NM_001407447.1, NM_001407448.1 and 1 more transcripts); c.3657A>T, p.Glu1219Asp (NM_001354897.2); c.3552A>T, p.Glu1184Asp (NM_001354898.2); c.3543A>T, p.Glu1181Asp (NM_001354899.2); c.3504A>T, p.Glu1168Asp (NM_001354900.2); c.3450A>T, p.Glu1150Asp (NM_001354901.2, NM_001407453.1); and 11 more; short protein forms E1049D, E1080D, E1083D, E1108D, E1118D, E1126D, E1150D, E1168D.
Identifiers: ClinVar variation 3230251 (VCV003230251.1), dbSNP rs1765478583, ClinGen allele CA16029299.

ClinVar aggregate classification (germline): Uncertain significance (1 of 4 stars; one submission).

Conditions:
Hereditary cancer-predisposing syndrome. Also called: Neoplastic Syndromes, Hereditary; Tumor predisposition; Hereditary neoplastic syndrome; Hereditary Cancer Syndrome. Identifiers: Orphanet 140162, MedGen C0027672, MeSH D009386, MONDO:0015356.

Allele frequency attached by ClinVar (database versions not stated): gnomAD exomes below 0.00001.
gnomAD v4.1: 1 of 1,614,170 alleles (0.000062%); highest among the groups gnomAD compares: Non-Finnish European, 0.000085%; no homozygotes.

Submission:

Ambry Genetics
Classification: Uncertain significance for Hereditary cancer-predisposing syndrome. Last evaluated: 2023-11-17. Review status: criteria provided, single submitter. Criteria: Ambry Variant Classification Scheme 2023. Collection method: clinical testing. Allele origin: germline.
Comment: The p.E1209D variant (also known as c.3627A>T), located in coding exon 15 of the APC gene, results from an A to T substitution at nucleotide position 3627. The glutamic acid at codon 1209 is replaced by aspartic acid, an amino acid with highly similar properties. This amino acid position is conserved. In addition, in silico predictors for this gene do not accurately predict pathogenicity. Since supporting evidence is limited at this time, the clinical significance of this alteration remains unclear.